The following is an entry in ClinVar:

ClinVar aggregate classification (germline): Pathogenic (1 of 4 stars; one submission).

Conditions:
Mucopolysaccharidosis type 6 (MPS6). Also called: N-ACETYLGALACTOSAMINE-4-SULFATASE DEFICIENCY; MPS VI; MPS 6; Maroteaux Lamy syndrome; ARSB DEFICIENCY; ARYLSULFATASE B DEFICIENCY. Identifiers: Orphanet 583, MedGen C0026709, MONDO:0009661, OMIM 253200.

Submission:

Laboratory of Diagnosis and Therapy of Lysosomal Disorders, University of Padova
Classification: Pathogenic for Mucopolysaccharidosis type 6. Last evaluated: 2018-01-01. Review status: criteria provided, single submitter. Criteria: ACMG Guidelines, 2015. Collection method: curation. Allele origin: germline. Affected: yes.
Comment: Frameshift variant (PVS1); In vitro functional studies supportive of a damaging effect on the gene product (low to no ARSB activity in homozygotes; PS3); Absent from GnomAD (PM2)

Literature cited by the submitters: PubMed 26609033; PubMed 27826022; PubMed 30118150.

NM_000046.5(ARSB):c.307_312+147del

Genes: ARSB (arylsulfatase B; minus strand), LOC129994126 (ATAC-STARR-seq lymphoblastoid silent region 16127; plus strand). Cytogenetic location: 5q14.1.
Variant type: Deletion.
Coding change: c.307_312+147del on transcript NM_000046.5 (MANE Select); coding-DNA position 307 through 147 bases into the intron after coding-DNA position 312, 153 bases deleted.
Molecular consequence: splice donor variant.
Genome position (GRCh38, 1-based): chr5:78,984,790-78,984,942, 153 bases deleted. GRCh37 (hg19): chr5:78,280,614-78,280,766.
Other names: c.307_312+147del (NM_198709.3).
Identifiers: ClinVar variation 559767 (VCV000559767.1), dbSNP rs1554089838, ClinGen allele CA658822936.